The following is an entry in ClinVar:

ClinVar aggregate classification (germline): Benign. Review status: criteria provided, multiple submitters, no conflicts (2 of 4 stars). 3 submissions from 3 submitters: Benign (2). 1 of the submissions does not count toward it. Last evaluated 2019-12-31.

Allele frequency attached by ClinVar (database versions not stated): gnomAD exomes 0.00153 and 0.00421; ExAC 0.00526; 1000 Genomes Project 30x 0.01593; gnomAD 0.01705; TOPMed 0.01903; ESP Exome Variant Server 0.02022; 1000 Genomes Project 0.01398.
gnomAD v4.1: 4,894 of 1,614,102 alleles (0.3%); highest among the groups gnomAD compares: African/African-American, 5.7%; 136 homozygotes.

Submissions (3):

Labcorp Genetics (formerly Invitae), Labcorp
Classification: Benign. Last evaluated: 2019-12-31. Review status: criteria provided, single submitter. Criteria: Invitae Variant Classification Sherloc (09022015). Collection method: clinical testing. Allele origin: germline.

Breakthrough Genomics
Classification: Benign. Review status: criteria provided, single submitter. Criteria: ACMG Guidelines, 2015. Collection method: not provided. Allele origin: germline. Inheritance: Autosomal dominant inheritance. Affected: yes.

Genetic Services Laboratory, University of Chicago
Classification: Likely benign for AllHighlyPenetrant. Review status: no assertion criteria provided. Collection method: clinical testing. Allele origin: germline. Inheritance: Autosomal dominant inheritance. Not counted in ClinVar's aggregate classification.
Comment: Likely benign based on allele frequency in 1000 Genomes Project or ESP global frequency and its presence in a patient with a rare or unrelated disease phenotype. NOT Sanger confirmed.

NM_012156.2(EPB41L1):c.1869G>A (p.Thr623=)

Gene: EPB41L1 (erythrocyte membrane protein band 4.1 like 1; plus strand). Cytogenetic location: 20q11.23.
Variant type: single nucleotide variant.
Coding change: c.1869G>A on transcript NM_012156.2 (MANE Select); coding-DNA position 1869, G replaced by A.
Protein change: p.Thr623=; no amino-acid change (threonine 623 retained).
Molecular consequence: synonymous variant. On other transcripts: intron variant (1).
Genome position (GRCh38, 1-based): chr20:36,209,688, G>A. VCF-style: chr20-36209688-G-A. GRCh37 (hg19) VCF-style: chr20-34797610-G-A.
Other names: c.1869G>A, p.Thr623= (NM_001258329.1); c.1647G>A, p.Thr549= (NM_001258331.2, NM_177996.2); c.1540-2584G>A (NM_001258330.1).
Identifiers: ClinVar variation 128998 (VCV000128998.11), dbSNP rs73905303, ClinGen allele CA152737.
Genomic context (GRCh38, chr20:36,209,688, plus strand): 5'-CAAGTGCTCCAGCATCACGGTCAGCTCTACGTCTAGCCTGGAGGCTGAGGTGGACTTCAC[G>A]GTCATTGGTGACTACCATGGCAGCGCCTTCGAAGACTTCTCCCGCAGCCTGCCTGAGCTC-3'
Protein context (NP_036288.2, residues 613-633): TSSLEAEVDF[Thr623=]VIGDYHGSAF